The following is an entry in ClinVar:

NM_176787.5(PIGN):c.1052A>G (p.Asn351Ser)

Gene: PIGN (phosphatidylinositol glycan anchor biosynthesis class N; minus strand). Cytogenetic location: 18q21.33.
Variant type: single nucleotide variant.
Coding change: c.1052A>G on transcript NM_176787.5 (MANE Select); coding-DNA position 1052, A replaced by G.
Protein change: p.Asn351Ser; replaces asparagine 351 with serine.
Molecular consequence: missense variant.
Genome position (GRCh38, 1-based): chr18:62,139,047, T>C on the plus strand (A>G on the coding strand, the complement: PIGN is on the minus strand). VCF-style: chr18-62139047-T-C. GRCh37 (hg19) VCF-style: chr18-59806280-T-C.
Other names: c.1052A>G, p.Asn351Ser (NM_012327.6); short protein forms N351S.
Identifiers: ClinVar variation 1025079 (VCV001025079.8), dbSNP rs2036039075, ClinGen allele CA402607838.
Genomic context (GRCh38, chr18:62,139,047, plus strand): 5'-AACTGTTCAAGAATCTGTACTGCATTTGTAAACATGCTCTCTGCTTTGAAGAGATCAGTG[T>C]TGTTAAGATAATCCACAGGAAGGATTCCCTGAAAATAACAAACACCAGCTTATTGATAGT-3'
Protein context (NP_789744.1, residues 341-361): VGILPVDYLN[Asn351Ser]TDLFKAESMF

ClinVar aggregate classification (germline): Uncertain significance (1 of 4 stars; one submission).

Conditions:
Multiple congenital anomalies-hypotonia-seizures syndrome 1 (MCAHS1). Also called: GLYCOSYLPHOSPHATIDYLINOSITOL BIOSYNTHESIS DEFECT 3; PIGN-CDG; Congenital disorder of glycosylation due to PIGN deficiency. Identifiers: Orphanet 280633, MedGen C3279775, MONDO:0013563, OMIM 614080.

Submission:

Labcorp Genetics (formerly Invitae), Labcorp
Classification: Uncertain significance for Multiple congenital anomalies-hypotonia-seizures syndrome 1. Last evaluated: 2020-10-05. Review status: criteria provided, single submitter. Criteria: Invitae Variant Classification Sherloc (09022015). Collection method: clinical testing. Allele origin: germline.
Comment: This variant has not been reported in the literature in individuals with PIGN-related conditions. This sequence change replaces asparagine with serine at codon 351 of the PIGN protein (p.Asn351Ser). The asparagine residue is moderately conserved and there is a small physicochemical difference between asparagine and serine. This variant is not present in population databases (ExAC no frequency). Algorithms developed to predict the effect of missense changes on protein structure and function output the following: SIFT: "Tolerated"; PolyPhen-2: "Benign"; Align-GVGD: "Class C0". The serine amino acid residue is found in multiple mammalian species, suggesting that this missense change does not adversely affect protein function. These predictions have not been confirmed by published functional studies and their clinical significance is uncertain. Algorithms developed to predict the effect of sequence changes on RNA splicing suggest that this variant may create or strengthen a splice site, but this prediction has not been confirmed by published transcriptional studies. In summary, the available evidence is currently insufficient to determine the role of this variant in disease. Therefore, it has been classified as a Variant of Uncertain Significance.